The following is an entry in ClinVar:

ClinVar aggregate classification (germline): Uncertain significance (1 of 4 stars; one submission).

Conditions:
Familial cancer of breast. Also called: BREAST CANCER, FAMILIAL; Hereditary breast cancer; hereditary breast carcinoma. Identifiers: Orphanet 227535, MedGen C0346153, MONDO:0016419, OMIM 114480. Disease mechanism: loss of function.

Submission:

Labcorp Genetics (formerly Invitae), Labcorp
Classification: Uncertain significance for Familial cancer of breast. Last evaluated: 2020-09-08. Review status: criteria provided, single submitter. Criteria: Invitae Variant Classification Sherloc (09022015). Collection method: clinical testing. Allele origin: germline.
Comment: In summary, the available evidence is currently insufficient to determine the role of this variant in disease. Therefore, it has been classified as a Variant of Uncertain Significance. This variant has not been reported in the literature in individuals with PALB2-related conditions. ClinVar contains an entry for this variant (Variation ID: 530115). This variant is not present in population databases (ExAC no frequency). This variant, c.2937_2939del, results in the deletion of 1 amino acid(s) of the PALB2 protein (p.Ser981del), but otherwise preserves the integrity of the reading frame.

NM_024675.4(PALB2):c.2934TAG[1] (p.Ser981del)

Gene: PALB2 (partner and localizer of BRCA2; minus strand). Cytogenetic location: 16p12.2.
Variant type: Microsatellite.
Coding change: c.2934TAG[1] on transcript NM_024675.4 (MANE Select); one copy of the 3-base unit TAG starting at c.2934; the reference has two copies in a row; one copy, 3 bases deleted.
Protein change: p.Ser981del; deletes serine 981.
Molecular consequence: inframe deletion.
Genome position (GRCh38, 1-based): chr16:23,623,026-23,623,028, CTA deleted on the plus strand (TAG on the coding strand, the reverse complement: PALB2 is on the minus strand); deleting any 3 consecutive bases within chr16:23,623,026-23,623,031 gives the same sequence; the position shown is the placement nearest the transcript's 3' end. VCF-style (leftmost placement, unchanged base first): chr16-23623025-GCTA-G. GRCh37 (hg19) VCF-style: chr16-23634346-GCTA-G.
Other names: c.2937_2939delTAG (NM_024675.3); short protein forms S981del.
Identifiers: ClinVar variation 530115 (VCV000530115.9), dbSNP rs1555459539, ClinGen allele CA658798562.